The following is an entry in ClinVar:

NM_000702.4(ATP1A2):c.12+1G>A

Gene: ATP1A2 (ATPase Na+/K+ transporting subunit alpha 2; plus strand). Cytogenetic location: 1q23.2.
Variant type: single nucleotide variant.
Coding change: c.12+1G>A on transcript NM_000702.4 (MANE Select); the canonical splice donor site of the intron after coding-DNA position 12, G replaced by A.
Molecular consequence: splice donor variant.
Genome position (GRCh38, 1-based): chr1:160,115,874, G>A. VCF-style: chr1-160115874-G-A. GRCh37 (hg19) VCF-style: chr1-160085664-G-A.
Identifiers: ClinVar variation 2752813 (VCV002752813.3), dbSNP rs1421966486, ClinGen allele CA343224954.

ClinVar aggregate classification (germline): Likely pathogenic (1 of 4 stars; one submission).

Conditions:
Familial hemiplegic migraine. Identifiers: MedGen C0338484, MONDO:0000700.

Submission:

Labcorp Genetics (formerly Invitae), Labcorp
Classification: Likely pathogenic for Familial hemiplegic migraine. Last evaluated: 2023-08-16. Review status: criteria provided, single submitter. Criteria: Invitae Variant Classification Sherloc (09022015). Collection method: clinical testing. Allele origin: germline.
Comment: This variant has not been reported in the literature in individuals affected with ATP1A2-related conditions. In summary, the currently available evidence indicates that the variant is pathogenic, but additional data are needed to prove that conclusively. Therefore, this variant has been classified as Likely Pathogenic. Algorithms developed to predict the effect of sequence changes on RNA splicing suggest that this variant may disrupt the consensus splice site. This variant is not present in population databases (gnomAD no frequency). This sequence change affects a donor splice site in intron 1 of the ATP1A2 gene. It is expected to disrupt RNA splicing. Variants that disrupt the donor or acceptor splice site typically lead to a loss of protein function (PMID: 16199547), and loss-of-function variants in ATP1A2 are known to be pathogenic (PMID: 30690204).

Literature cited by the submitters: PubMed 16199547; PubMed 30690204.